The following is an entry in ClinVar:

ClinVar aggregate classification (germline): Conflicting classifications of pathogenicity. Review status: criteria provided, conflicting classifications (1 of 4 stars). 3 submissions from 3 submitters: Uncertain significance (2); Likely benign (1). Last evaluated 2024-05-13.

Conditions:
Hereditary cancer-predisposing syndrome. Also called: Neoplastic Syndromes, Hereditary; Tumor predisposition; Hereditary Cancer Syndrome; Hereditary neoplastic syndrome. Identifiers: Orphanet 140162, MedGen C0027672, MeSH D009386, MONDO:0015356.
Bloom syndrome (BLM). Also called: Bloom-Torre-Machacek syndrome. Identifiers: Orphanet 125, MedGen C0005859, MONDO:0008876, OMIM 210900.

Submissions (3):

Labcorp Genetics (formerly Invitae), Labcorp
Classification: Likely benign for Bloom syndrome. Last evaluated: 2024-05-13. Review status: criteria provided, single submitter. Criteria: Invitae Variant Classification Sherloc (09022015). Collection method: clinical testing. Allele origin: germline.

Ambry Genetics
Classification: Uncertain significance for Hereditary cancer-predisposing syndrome. Last evaluated: 2024-02-03. Review status: criteria provided, single submitter. Criteria: Ambry Variant Classification Scheme 2023. Collection method: clinical testing. Allele origin: germline.
Comment: The p.D1165E variant (also known as c.3495C>G), located in coding exon 17 of the BLM gene, results from a C to G substitution at nucleotide position 3495. The aspartic acid at codon 1165 is replaced by glutamic acid, an amino acid with highly similar properties. This amino acid position is conserved. In addition, this alteration is predicted to be tolerated by in silico analysis. Based on the available evidence, the clinical significance of this alteration remains unclear.

GeneDx
Classification: Uncertain significance. Last evaluated: 2023-10-10. Review status: criteria provided, single submitter. Criteria: GeneDx Variant Classification Process June 2021. Collection method: clinical testing. Allele origin: germline. Affected: yes.
Comment: Not observed at significant frequency in large population cohorts (gnomAD); In silico analysis supports that this missense variant does not alter protein structure/function; Has not been previously published as pathogenic or benign to our knowledge

NM_000057.4(BLM):c.3495C>G (p.Asp1165Glu)

Gene: BLM (BLM RecQ like helicase; plus strand). Cytogenetic location: 15q26.1.
Variant type: single nucleotide variant.
Coding change: c.3495C>G on transcript NM_000057.4 (MANE Select); coding-DNA position 3495, C replaced by G.
Protein change: p.Asp1165Glu; replaces aspartic acid 1165 with glutamic acid.
Molecular consequence: missense variant. On other transcripts: intron variant (1).
Genome position (GRCh38, 1-based): chr15:90,803,657, C>G. VCF-style: chr15-90803657-C-G. GRCh37 (hg19) VCF-style: chr15-91346887-C-G.
Other names: c.3495C>G (NM_000057.2); c.3495C>G, p.Asp1165Glu (NM_001287246.2); c.2370C>G, p.Asp790Glu (NM_001287248.2); c.3358+5320C>G (NM_001287247.2); short protein forms D1165E, D790E.
Identifiers: ClinVar variation 1630484 (VCV001630484.11), dbSNP rs767536788, ClinGen allele CA393847729.